The following is an entry in ClinVar:

NM_004360.5(CDH1):c.2092G>T (p.Ala698Ser)

Gene: CDH1 (cadherin 1; plus strand). Cytogenetic location: 16q22.1.
Variant type: single nucleotide variant.
Coding change: c.2092G>T on transcript NM_004360.5 (MANE Select); coding-DNA position 2092, G replaced by T.
Protein change: p.Ala698Ser; replaces alanine 698 with serine.
Molecular consequence: missense variant.
Genome position (GRCh38, 1-based): chr16:68,823,554, G>T. VCF-style: chr16-68823554-G-T. GRCh37 (hg19) VCF-style: chr16-68857457-G-T.
Other names: c.1909G>T, p.Ala637Ser (NM_001317184.2); c.544G>T, p.Ala182Ser (NM_001317185.2); c.127G>T, p.Ala43Ser (NM_001317186.2); c.2092G>T (NM_004360.3); short protein forms A698S, A182S, A43S, A637S.
Identifiers: ClinVar variation 1511557 (VCV001511557.7), dbSNP rs1167040681, ClinGen allele CA396467838.
Genomic context (GRCh38, chr16:68,823,554, plus strand): 5'-GTGACCACCTTAGAGGTCAGCGTGTGTGACTGTGAAGGGGCCGCTGGCGTCTGTAGGAAG[G>T]CACAGCCTGTCGAAGCAGGATTGCAAATTCCTGCCATTCTGGGGATTCTTGGAGGAATTC-3'
Protein context (NP_004351.1, residues 688-708): CEGAAGVCRK[Ala698Ser]QPVEAGLQIP

ClinVar aggregate classification (germline): Uncertain significance. Review status: criteria provided, multiple submitters, no conflicts (2 of 4 stars). 2 submissions from 2 submitters: Uncertain significance (2). Last evaluated 2026-07-06.

Conditions:
Hereditary cancer-predisposing syndrome. Also called: Hereditary Cancer Syndrome; Tumor predisposition; Neoplastic Syndromes, Hereditary; Hereditary neoplastic syndrome. Identifiers: Orphanet 140162, MedGen C0027672, MeSH D009386, MONDO:0015356.
Hereditary diffuse gastric adenocarcinoma (HDGC). Also called: DIFFUSE GASTRIC AND LOBULAR BREAST CANCER SYNDROME. Identifiers: Orphanet 26106, MedGen C1708349, MONDO:0007648, OMIM 137215.

gnomAD v4.1: 9 of 1,614,018 alleles (0.00056%); highest among the groups gnomAD compares: Non-Finnish European, 0.00076%; no homozygotes.

Submissions (2):

Ambry Genetics
Classification: Uncertain significance for Hereditary cancer-predisposing syndrome. Last evaluated: 2026-07-06. Review status: criteria provided, single submitter. Criteria: Ambry Variant Classification Scheme 2023. Collection method: clinical testing. Allele origin: germline.
Comment: The p.A698S variant (also known as c.2092G>T), located in coding exon 13 of the CDH1 gene, results from a G to T substitution at nucleotide position 2092. The alanine at codon 698 is replaced by serine, an amino acid with similar properties. This amino acid position is conserved. In addition, this alteration is predicted to be tolerated by in silico analysis. Based on the available evidence, the clinical significance of this variant remains unclear.

Labcorp Genetics (formerly Invitae), Labcorp
Classification: Uncertain significance for Hereditary diffuse gastric adenocarcinoma. Last evaluated: 2023-03-27. Review status: criteria provided, single submitter. Criteria: Invitae Variant Classification Sherloc (09022015). Collection method: clinical testing. Allele origin: germline.
Comment: This sequence change replaces alanine, which is neutral and non-polar, with serine, which is neutral and polar, at codon 698 of the CDH1 protein (p.Ala698Ser). The frequency data for this variant in the population databases is considered unreliable, as metrics indicate poor data quality at this position in the gnomAD database. This variant has not been reported in the literature in individuals affected with CDH1-related conditions. ClinVar contains an entry for this variant (Variation ID: 1511557). Algorithms developed to predict the effect of missense changes on protein structure and function output the following: SIFT: "Not Available"; PolyPhen-2: "Benign"; Align-GVGD: "Not Available". The serine amino acid residue is found in multiple mammalian species, which suggests that this missense change does not adversely affect protein function. In summary, the available evidence is currently insufficient to determine the role of this variant in disease. Therefore, it has been classified as a Variant of Uncertain Significance.